The following is an entry in ClinVar:

ClinVar aggregate classification (germline): Uncertain significance (1 of 4 stars; one submission).

Allele frequency attached by ClinVar (database versions not stated): gnomAD exomes below 0.00001.
gnomAD v4.1: 4 of 1,614,124 alleles (0.00025%); highest among the groups gnomAD compares: Admixed American, 0.0017%; no homozygotes.

Submission:

Labcorp Genetics (formerly Invitae), Labcorp
Classification: Uncertain significance. Last evaluated: 2022-08-08. Review status: criteria provided, single submitter. Criteria: Invitae Variant Classification Sherloc (09022015). Collection method: clinical testing. Allele origin: germline.
Comment: In summary, the available evidence is currently insufficient to determine the role of this variant in disease. Therefore, it has been classified as a Variant of Uncertain Significance. Algorithms developed to predict the effect of missense changes on protein structure and function (SIFT, PolyPhen-2, Align-GVGD) all suggest that this variant is likely to be disruptive. This variant has not been reported in the literature in individuals affected with NBAS-related conditions. This variant is present in population databases (no rsID available, gnomAD 0.003%). This sequence change replaces cysteine, which is neutral and slightly polar, with serine, which is neutral and polar, at codon 426 of the NBAS protein (p.Cys426Ser).

NM_015909.4(NBAS):c.1277G>C (p.Cys426Ser)

Gene: NBAS (NBAS subunit of NRZ tethering complex; minus strand). Cytogenetic location: 2p24.3.
Variant type: single nucleotide variant.
Coding change: c.1277G>C on transcript NM_015909.4 (MANE Select); coding-DNA position 1277, G replaced by C.
Protein change: p.Cys426Ser; replaces cysteine 426 with serine.
Molecular consequence: missense variant. On other transcripts: non-coding transcript variant (1).
Genome position (GRCh38, 1-based): chr2:15,475,751, C>G on the plus strand (G>C on the coding strand, the complement: NBAS is on the minus strand). VCF-style: chr2-15475751-C-G. GRCh37 (hg19) VCF-style: chr2-15615875-C-G.
Other names: short protein forms C426S.
Identifiers: ClinVar variation 2121659 (VCV002121659.2), dbSNP rs1009539803, ClinGen allele CA42629203.
Genomic context (GRCh38, chr2:15,475,751, plus strand): 5'-AAACTTAAAAATCCCCCATCATGGGTAGCAGTGACTTGAGGTGATGGTTCAAACCATTCA[C>G]AGGATTTTCCCAGTAAATTCTTCAAAGTTTTCACAGATGAAACAGTTAAAGCACCAGAGC-3'
Protein context (NP_056993.2, residues 416-436): KTLKNLLGKS[Cys426Ser]EWFEPSPQVT